The following is an entry in ClinVar:

ClinVar aggregate classification (germline): Likely pathogenic (1 of 4 stars; one submission).

Conditions:
Neurofibromatosis, type 1 (NF1). Also called: VON RECKLINGHAUSEN DISEASE; Neurofibromatosis, type I; NEUROFIBROMATOSIS, TYPE I, SOMATIC; Peripheral type neurofibromatosis. Identifiers: Orphanet 636, MedGen C0027831, MONDO:0018975, OMIM 162200. Disease mechanism: loss of function.

Submission:

3billion
Classification: Likely pathogenic for Neurofibromatosis, type 1. Last evaluated: 2024-09-11. Review status: criteria provided, single submitter. Criteria: ACMG Guidelines, 2015. Collection method: clinical testing. Allele origin: germline. Affected: yes.
Comment: The variant is not observed in the gnomAD v4.0.0 dataset. Predicted Consequence/Location: Frameshift: predicted to result in a loss or disruption of normal protein function through nonsense-mediated decay (NMD) or protein truncation. Multiple pathogenic variants are reported downstream of the variant. Therefore, this variant is classified as Likely pathogenic according to the recommendation of ACMG/AMP guideline.

NM_001042492.3(NF1):c.7399del (p.Ser2467fs)

Gene: NF1 (neurofibromin 1; plus strand). Cytogenetic location: 17q11.2.
Variant type: Deletion.
Coding change: c.7399del on transcript NM_001042492.3 (MANE Select); coding-DNA position 7399, one base deleted (T; older notation c.7399delT).
Protein change: p.Ser2467fs; shifts the reading frame from serine 2467.
Molecular consequence: frameshift variant.
Genome position (GRCh38, 1-based): chr17:31,350,260, T deleted; the last of 3 consecutive T bases (chr17:31,350,258-31,350,260); deleting any one gives the same sequence. VCF-style (leftmost placement, unchanged base first): chr17-31350257-AT-A. GRCh37 (hg19) VCF-style: chr17-29677275-AT-A.
Other names: c.7336del, p.Ser2446fs (NM_000267.4); short protein forms S2446fs, S2467fs.
Identifiers: ClinVar variation 4292952 (VCV004292952.1).